The following is an entry in ClinVar:

NM_015141.4(GPD1L):c.38C>T (p.Ser13Leu)

Genes: GPD1L (glycerol-3-phosphate dehydrogenase 1 like; plus strand), LOC129936414 (ATAC-STARR-seq lymphoblastoid silent region 14165; plus strand). Cytogenetic location: 3p22.3.
Variant type: single nucleotide variant.
Coding change: c.38C>T on transcript NM_015141.4 (MANE Select); coding-DNA position 38, C replaced by T.
Protein change: p.Ser13Leu; replaces serine 13 with leucine.
Molecular consequence: missense variant.
Genome position (GRCh38, 1-based): chr3:32,106,749, C>T. VCF-style: chr3-32106749-C-T. GRCh37 (hg19) VCF-style: chr3-32148241-C-T.
Other names: short protein forms S13L.
Identifiers: ClinVar variation 580300 (VCV000580300.4), dbSNP rs770998550, ClinGen allele CA2296535.
Genomic context (GRCh38, chr3:32,106,749, plus strand): 5'-AGGCGGCTACATTCGGCCCGGCCATGGCAGCGGCGCCCCTGAAAGTGTGCATCGTGGGCT[C>T]GGGGAACTGGTGAGCGGCGGCGGGCTGGAGGCCGGGGCTCCGCTTCCAGGAAGCGCCTCT-3'
Protein context (NP_055956.1, residues 3-23): AAPLKVCIVG[Ser13Leu]GNWGSAVAKI

ClinVar aggregate classification (germline): Uncertain significance (1 of 4 stars; one submission).

Conditions:
Brugada syndrome. Also called: Sudden Unexplained Death Syndrome; Sudden Unexplained Nocturnal Death Syndrome (SUNDS); Sudden unexplained nocturnal death syndrome; Sudden unexpected nocturnal death syndrome. Identifiers: Orphanet 130, MedGen C1142166, MONDO:0015263.

Allele frequency attached by ClinVar (database versions not stated): gnomAD exomes below 0.00001 and 0.00001; ExAC 0.00001.
gnomAD v4.1: 2 of 1,557,190 alleles (0.00013%); highest among the groups gnomAD compares: Non-Finnish European, 0.000087%; no homozygotes.

Submission:

Labcorp Genetics (formerly Invitae), Labcorp
Classification: Uncertain significance for Brugada syndrome. Last evaluated: 2025-06-25. Review status: criteria provided, single submitter. Criteria: Invitae Variant Classification Sherloc (09022015). Collection method: clinical testing. Allele origin: germline.
Comment: This sequence change replaces serine, which is neutral and polar, with leucine, which is neutral and non-polar, at codon 13 of the GPD1L protein (p.Ser13Leu). The frequency data for this variant in the population databases is considered unreliable, as metrics indicate poor data quality at this position in the gnomAD database. This variant has not been reported in the literature in individuals affected with GPD1L-related conditions. ClinVar contains an entry for this variant (Variation ID: 580300). Invitae Evidence Modeling of protein sequence and biophysical properties (such as structural, functional, and spatial information, amino acid conservation, physicochemical variation, residue mobility, and thermodynamic stability) indicates that this missense variant is expected to disrupt GPD1L protein function with a positive predictive value of 80%. In summary, the available evidence is currently insufficient to determine the role of this variant in disease. Therefore, it has been classified as a Variant of Uncertain Significance.